The following is an entry in ClinVar:

ClinVar aggregate classification (germline): Pathogenic (1 of 4 stars; one submission).

Conditions:
Developmental and epileptic encephalopathy 94 (DEE94). Also called: Epileptic encephalopathy, childhood-onset; CHD2-Related Neurodevelopmental Disorders. Identifiers: Orphanet 1942, Orphanet 2382, MedGen C3809278, MONDO:0014150, OMIM 615369.

Submission:

Labcorp Genetics (formerly Invitae), Labcorp
Classification: Pathogenic for Developmental and epileptic encephalopathy 94. Last evaluated: 2023-09-13. Review status: criteria provided, single submitter. Criteria: Invitae Variant Classification Sherloc (09022015). Collection method: clinical testing. Allele origin: germline.
Comment: For these reasons, this variant has been classified as Pathogenic. Algorithms developed to predict the effect of sequence changes on RNA splicing suggest that this variant may disrupt the consensus splice site. ClinVar contains an entry for this variant (Variation ID: 1067558). Disruption of this splice site has been observed in individual(s) with clinical features of childhood-onset epileptic encephalopathy (Invitae). In at least one individual the variant was observed to be de novo. This variant is not present in population databases (gnomAD no frequency). This sequence change affects a donor splice site in intron 9 of the CHD2 gene. It is expected to disrupt RNA splicing. Variants that disrupt the donor or acceptor splice site typically lead to a loss of protein function (PMID: 16199547), and loss-of-function variants in CHD2 are known to be pathogenic (PMID: 23708187, 24207121).

Literature cited by the submitters: PubMed 16199547; PubMed 23708187; PubMed 24207121.

NM_001271.4(CHD2):c.1052+2T>C

Gene: CHD2 (chromodomain helicase DNA binding protein 2; plus strand). Cytogenetic location: 15q26.1.
Variant type: single nucleotide variant.
Coding change: c.1052+2T>C on transcript NM_001271.4 (MANE Select); the canonical splice donor site of the intron after coding-DNA position 1052, T replaced by C.
Molecular consequence: splice donor variant.
Genome position (GRCh38, 1-based): chr15:92,943,070, T>C. VCF-style: chr15-92943070-T-C. GRCh37 (hg19) VCF-style: chr15-93486300-T-C.
Other names: c.1052+2T>C (NM_001042572.3).
Identifiers: ClinVar variation 1067558 (VCV001067558.9), dbSNP rs2141787733, ClinGen allele CA393902353.